The following is an entry in ClinVar:

NM_020778.5(ALPK3):c.1865C>T (p.Thr622Ile)

Gene: ALPK3 (alpha kinase 3; plus strand). Cytogenetic location: 15q25.3.
Variant type: single nucleotide variant.
Coding change: c.1865C>T on transcript NM_020778.5 (MANE Select); coding-DNA position 1865, C replaced by T.
Protein change: p.Thr622Ile; replaces threonine 622 with isoleucine.
Molecular consequence: missense variant.
Genome position (GRCh38, 1-based): chr15:84,856,603, C>T. VCF-style: chr15-84856603-C-T. GRCh37 (hg19) VCF-style: chr15-85399834-C-T.
Other names: short protein forms T622I.
Identifiers: ClinVar variation 3665943 (VCV003665943.2).

ClinVar aggregate classification (germline): Uncertain significance (1 of 4 stars; one submission).

gnomAD v4.1: 1 of 1,613,852 alleles (0.000062%); highest among the groups gnomAD compares: East Asian, 0.0022%; no homozygotes.

Submission:

Labcorp Genetics (formerly Invitae), Labcorp
Classification: Uncertain significance. Last evaluated: 2024-10-02. Review status: criteria provided, single submitter. Criteria: Invitae Variant Classification Sherloc (09022015). Collection method: clinical testing. Allele origin: germline.
Comment: This sequence change replaces threonine, which is neutral and polar, with isoleucine, which is neutral and non-polar, at codon 824 of the ALPK3 protein (p.Thr824Ile). This variant is not present in population databases (gnomAD no frequency). This variant has not been reported in the literature in individuals affected with ALPK3-related conditions. Invitae Evidence Modeling of protein sequence and biophysical properties (such as structural, functional, and spatial information, amino acid conservation, physicochemical variation, residue mobility, and thermodynamic stability) has been performed for this missense variant. However, the output from this modeling did not meet the statistical confidence thresholds required to predict the impact of this variant on ALPK3 protein function. In summary, the available evidence is currently insufficient to determine the role of this variant in disease. Therefore, it has been classified as a Variant of Uncertain Significance.